The following is an entry in ClinVar:

ClinVar aggregate classification (germline): Uncertain significance (1 of 4 stars; one submission).

Submission:

Women's Health and Genetics/Laboratory Corporation of America, LabCorp
Classification: Uncertain significance. Last evaluated: 2026-06-01. Review status: criteria provided, single submitter. Criteria: LabCorp Variant Classification Summary - May 2015. Collection method: clinical testing. Allele origin: germline.
Comment: Variant summary: AEBP1 c.1453T>C (p.Trp485Arg) results in a non-conservative amino acid change in the encoded protein sequence. Algorithms developed to predict the effect of missense changes on protein structure and function all suggest that this variant is likely to be disruptive. The variant was absent in 192758 control chromosomes. The available data on variant occurrences in the general population are insufficient to allow any conclusion about variant significance. To our knowledge, no occurrence of c.1453T>C in individuals affected with AEBP1-related conditions and no experimental evidence demonstrating its impact on protein function have been reported. No submitters have cited clinical-significance assessments for this variant to ClinVar. Based on the evidence outlined above, the variant was classified as uncertain significance.

NM_001129.5(AEBP1):c.1453T>C (p.Trp485Arg)

Gene: AEBP1 (AE binding protein 1; plus strand). Cytogenetic location: 7p13.
Variant type: single nucleotide variant.
Coding change: c.1453T>C on transcript NM_001129.5 (MANE Select); coding-DNA position 1453, T replaced by C.
Protein change: p.Trp485Arg; replaces tryptophan 485 with arginine.
Molecular consequence: missense variant.
Genome position (GRCh38, 1-based): chr7:44,110,777, T>C. VCF-style: chr7-44110777-T-C. GRCh37 (hg19) VCF-style: chr7-44150376-T-C.
Other names: short protein forms W485R.
Identifiers: ClinVar variation 4887601 (VCV004887601.1).